The following is an entry in ClinVar:

ClinVar aggregate classification (germline): Conflicting classifications of pathogenicity. Review status: criteria provided, conflicting classifications (1 of 4 stars). 3 submissions from 3 submitters: Uncertain significance (2); Likely benign (1). Last evaluated 2026-07-24.

Conditions:
Prostate cancer, hereditary, 9 (HPC9). Identifiers: Orphanet 1331, MedGen C1970250, MONDO:0012597, OMIM 610997.
Hereditary cancer-predisposing syndrome. Also called: Tumor predisposition; Hereditary neoplastic syndrome; Neoplastic Syndromes, Hereditary; Hereditary Cancer Syndrome. Identifiers: Orphanet 140162, MedGen C0027672, MeSH D009386, MONDO:0015356.

Allele frequency attached by ClinVar (database versions not stated): gnomAD exomes 0.00001.
gnomAD v4.1: 9 of 1,613,118 alleles (0.00056%); highest among the groups gnomAD compares: Middle Eastern, 0.017%; no homozygotes.

Submissions (3):

Ambry Genetics
Classification: Likely benign for Hereditary cancer-predisposing syndrome. Last evaluated: 2026-07-24. Review status: criteria provided, single submitter. Criteria: Ambry Variant Classification Scheme 2023. Collection method: clinical testing. Allele origin: germline.

Labcorp Genetics (formerly Invitae), Labcorp
Classification: Uncertain significance. Last evaluated: 2025-11-10. Review status: criteria provided, single submitter. Criteria: Invitae Variant Classification Sherloc (09022015). Collection method: clinical testing. Allele origin: germline.
Comment: This sequence change replaces methionine, which is neutral and non-polar, with isoleucine, which is neutral and non-polar, at codon 43 of the HOXB13 protein (p.Met43Ile). This variant is not present in population databases (gnomAD no frequency). This variant has not been reported in the literature in individuals affected with HOXB13-related conditions. ClinVar contains an entry for this variant (Variation ID: 840332). An algorithm developed to predict the effect of missense changes on protein structure and function (PolyPhen-2) suggests that this variant is likely to be tolerated. In summary, the available evidence is currently insufficient to determine the role of this variant in disease. Therefore, it has been classified as a Variant of Uncertain Significance.

Department of Pathology and Laboratory Medicine, Sinai Health System
Classification: Uncertain significance for Prostate cancer, hereditary, 9. Last evaluated: 2023-11-22. Review status: criteria provided, single submitter. Criteria: ACMG Guidelines, 2015. Collection method: clinical testing. Allele origin: germline. Affected: yes.

NM_006361.6(HOXB13):c.129G>A (p.Met43Ile)

Gene: HOXB13 (homeobox B13; minus strand). Cytogenetic location: 17q21.32.
Variant type: single nucleotide variant.
Coding change: c.129G>A on transcript NM_006361.6 (MANE Select); coding-DNA position 129, G replaced by A.
Protein change: p.Met43Ile; replaces methionine 43 with isoleucine.
Molecular consequence: missense variant.
Genome position (GRCh38, 1-based): chr17:48,728,465, C>T on the plus strand (G>A on the coding strand, the complement: HOXB13 is on the minus strand). VCF-style: chr17-48728465-C-T. GRCh37 (hg19) VCF-style: chr17-46805827-C-T.
Other names: short protein forms M43I.
Identifiers: ClinVar variation 840332 (VCV000840332.12), dbSNP rs2038240627, ClinGen allele CA400109183.